The following is an entry in ClinVar:

ClinVar aggregate classification (germline): Benign/Likely benign. Review status: criteria provided, multiple submitters, no conflicts (2 of 4 stars). 5 submissions from 5 submitters: Benign (2); Likely benign (3). Last evaluated 2026-02-01.

Conditions:
Cardiovascular phenotype. Identifiers: MedGen CN230736.
Familial hyperaldosteronism type III. Also called: Familial hyperaldosteronism type 3; FH III. Identifiers: Orphanet 251274, MedGen C3838758, MONDO:0013359, OMIM 613677.
Long QT syndrome 13 (LQT13). Identifiers: Orphanet 101016, Orphanet 768, MedGen C3150733, MONDO:0013279, OMIM 613485.
Long QT syndrome (LQTS). Identifiers: MedGen C0023976, MeSH D008133, MONDO:0002442. Disease mechanism: loss of function. Inheritance: Various modes of inheritance.

Allele frequency attached by ClinVar (database versions not stated): gnomAD exomes 0.00002 and 0.00009; ExAC 0.00010; 1000 Genomes Project 30x 0.00016; 1000 Genomes Project 0.00020; TOPMed 0.00027; gnomAD 0.00033 and 0.00037; ESP Exome Variant Server 0.00046.
gnomAD v4.1: 78 of 1,611,430 alleles (0.0048%); highest among the groups gnomAD compares: African/African-American, 0.088%; no homozygotes.

Submissions (5):

Labcorp Genetics (formerly Invitae), Labcorp
Classification: Benign for Long QT syndrome. Last evaluated: 2026-02-01. Review status: criteria provided, single submitter. Criteria: Invitae Variant Classification Sherloc (09022015). Collection method: clinical testing. Allele origin: germline.

Fulgent Genetics
Classification: Likely benign for Long QT syndrome 13; Familial hyperaldosteronism type III. Last evaluated: 2021-08-09. Review status: criteria provided, single submitter. Criteria: ACMG Guidelines, 2015. Collection method: clinical testing. Allele origin: unknown.

GeneDx
Classification: Likely benign. Last evaluated: 2020-01-29. Review status: criteria provided, single submitter. Criteria: GeneDx Variant Classification Process June 2021. Collection method: clinical testing. Allele origin: germline. Affected: yes.

Ambry Genetics
Classification: Likely benign for Cardiovascular phenotype. Last evaluated: 2018-09-28. Review status: criteria provided, single submitter. Criteria: Ambry Variant Classification Scheme 2023. Collection method: clinical testing. Allele origin: germline.

Illumina Laboratory Services, Illumina
Classification: Benign for Familial hyperaldosteronism type III. Last evaluated: 2018-01-12. Review status: criteria provided, single submitter. Criteria: ICSL Variant Classification Criteria 13 December 2019. Collection method: clinical testing. Allele origin: germline.
Comment: This variant was observed in the ICSL laboratory as part of a predisposition screen in an ostensibly healthy population. It had not been previously curated by ICSL or reported in the Human Gene Mutation Database (HGMD: prior to June 1st, 2018), and was therefore a candidate for classification through an automated scoring system. Utilizing variant allele frequency, disease prevalence and penetrance estimates, and inheritance mode, an automated score was calculated to assess if this variant is too frequent to cause the disease. Based on the score and internal cut-off values, a variant classified as benign is not then subjected to further curation. The score for this variant resulted in a classification of benign for this disease.

NM_000890.5(KCNJ5):c.744G>A (p.Glu248=)

Gene: KCNJ5 (potassium inwardly rectifying channel subfamily J member 5; plus strand). Cytogenetic location: 11q24.3.
Variant type: single nucleotide variant.
Coding change: c.744G>A on transcript NM_000890.5 (MANE Select); coding-DNA position 744, G replaced by A.
Protein change: p.Glu248=; no amino-acid change (glutamic acid 248 retained).
Molecular consequence: synonymous variant.
Genome position (GRCh38, 1-based): chr11:128,912,017, G>A. VCF-style: chr11-128912017-G-A. GRCh37 (hg19) VCF-style: chr11-128781912-G-A.
Other names: c.744G>A (LRG_333t1); c.744G>A, p.Glu248= (NM_001354169.2).
Identifiers: ClinVar variation 303630 (VCV000303630.19), dbSNP rs144040058, ClinGen allele CA6357929.